The following is an entry in ClinVar:

NM_032043.3(BRIP1):c.1911T>C (p.Ala637=)

Gene: BRIP1 (BRCA1 interacting DNA helicase 1; minus strand). Cytogenetic location: 17q23.2.
Variant type: single nucleotide variant.
Coding change: c.1911T>C on transcript NM_032043.3 (MANE Select); coding-DNA position 1911, T replaced by C.
Protein change: p.Ala637=; no amino-acid change (alanine 637 retained).
Molecular consequence: synonymous variant.
Genome position (GRCh38, 1-based): chr17:61,780,285, A>G on the plus strand (T>C on the coding strand, the complement: BRIP1 is on the minus strand). VCF-style: chr17-61780285-A-G. GRCh37 (hg19) VCF-style: chr17-59857646-A-G.
Identifiers: ClinVar variation 820327 (VCV000820327.10), dbSNP rs1603333046, ClinGen allele CA501150301.

ClinVar aggregate classification (germline): Benign/Likely benign. Review status: criteria provided, multiple submitters, no conflicts (2 of 4 stars). 3 submissions from 3 submitters: Benign (1); Likely benign (2). Last evaluated 2024-08-30.

Conditions:
Familial cancer of breast. Also called: Hereditary breast cancer; hereditary breast carcinoma; BREAST CANCER, FAMILIAL. Identifiers: Orphanet 227535, MedGen C0346153, MONDO:0016419, OMIM 114480. Disease mechanism: loss of function.
Fanconi anemia complementation group J. Also called: BRIP1-Related Fanconi Anemia. Identifiers: Orphanet 84, MedGen C1836860, MONDO:0012187, OMIM 609054.
Hereditary cancer-predisposing syndrome. Also called: Hereditary Cancer Syndrome; Neoplastic Syndromes, Hereditary; Hereditary neoplastic syndrome; Tumor predisposition. Identifiers: Orphanet 140162, MedGen C0027672, MeSH D009386, MONDO:0015356.

Submissions (3):

Myriad Genetics, Inc.
Classification: Benign for Familial cancer of breast. Last evaluated: 2024-08-30. Review status: criteria provided, single submitter. Criteria: Myriad Autosomal Dominant, Autosomal Recessive and X-Linked Classification Criteria (2023). Collection method: clinical testing. Allele origin: unknown.
Comment: This variant is considered benign. This variant is a silent/synonymous amino acid change and it is not expected to impact splicing.

Labcorp Genetics (formerly Invitae), Labcorp
Classification: Likely benign for Familial cancer of breast; Fanconi anemia complementation group J. Last evaluated: 2023-04-28. Review status: criteria provided, single submitter. Criteria: Invitae Variant Classification Sherloc (09022015). Collection method: clinical testing. Allele origin: germline.

Ambry Genetics
Classification: Likely benign for Hereditary cancer-predisposing syndrome. Last evaluated: 2017-01-11. Review status: criteria provided, single submitter. Criteria: Ambry Variant Classification Scheme 2023. Collection method: clinical testing. Allele origin: germline.